The following is an entry in ClinVar:

ClinVar aggregate classification (germline): Uncertain significance (1 of 4 stars; one submission).

Conditions:
Hereditary cancer-predisposing syndrome. Also called: Hereditary neoplastic syndrome; Neoplastic Syndromes, Hereditary; Tumor predisposition; Hereditary Cancer Syndrome. Identifiers: Orphanet 140162, MedGen C0027672, MeSH D009386, MONDO:0015356.

Submission:

Ambry Genetics
Classification: Uncertain significance for Hereditary cancer-predisposing syndrome. Last evaluated: 2025-07-07. Review status: criteria provided, single submitter. Criteria: Ambry Variant Classification Scheme 2023. Collection method: clinical testing. Allele origin: germline.
Comment: The p.L453V variant (also known as c.1357C>G), located in coding exon 4 of the PALB2 gene, results from a C to G substitution at nucleotide position 1357. The leucine at codon 453 is replaced by valine, an amino acid with highly similar properties. This amino acid position is conserved. In addition, this alteration is predicted to be tolerated by in silico analysis. Based on the available evidence, the clinical significance of this variant remains unclear.

NM_024675.4(PALB2):c.1357C>G (p.Leu453Val)

Gene: PALB2 (partner and localizer of BRCA2; minus strand). Cytogenetic location: 16p12.2.
Variant type: single nucleotide variant.
Coding change: c.1357C>G on transcript NM_024675.4 (MANE Select); coding-DNA position 1357, C replaced by G.
Protein change: p.Leu453Val; replaces leucine 453 with valine.
Molecular consequence: missense variant. On other transcripts: intron variant (3).
Genome position (GRCh38, 1-based): chr16:23,635,189, G>C on the plus strand (C>G on the coding strand, the complement: PALB2 is on the minus strand). VCF-style: chr16-23635189-G-C. GRCh37 (hg19) VCF-style: chr16-23646510-G-C.
Other names: c.1297C>G, p.Leu433Val (NM_001407296.1); c.1357C>G, p.Leu453Val (NM_001407297.1, NM_001407298.1, NM_001407299.1 and 3 more transcripts); c.472C>G, p.Leu158Val (NM_001407304.1, NM_001407305.1, NM_001407306.1 and 5 more transcripts); c.49-5914C>G (NM_001407314.1); c.-104-4720C>G (NM_001407313.1, NM_001407312.1); short protein forms L158V, L453V, L433V.
Identifiers: ClinVar variation 4130321 (VCV004130321.1).
Genomic context (GRCh38, chr16:23,635,189, plus strand): 5'-GTTGTCCTGTGCATGTGCCAGACATCCTAATTTCACTTTGGTCAGTTTCCTCATTGGAAA[G>C]GTTTAAATTTTTACTTGCATCCTTATTTTTATTTTTAAACCCTTTTTTCTTGACATCCAA-3'
Protein context (NP_078951.2, residues 443-463): KNKDASKNLN[Leu453Val]SNEETDQSEI